The following is an entry in ClinVar:

NM_001374828.1(ARID1B):c.5635G>T (p.Glu1879Ter)

Gene: ARID1B (AT-rich interaction domain 1B; plus strand). Cytogenetic location: 6q25.3.
Variant type: single nucleotide variant.
Coding change: c.5635G>T on transcript NM_001374828.1 (MANE Select); coding-DNA position 5635, G replaced by T.
Protein change: p.Glu1879Ter; replaces glutamic acid 1879 with a stop codon.
Molecular consequence: nonsense.
Genome position (GRCh38, 1-based): chr6:157,206,407, G>T. VCF-style: chr6-157206407-G-T. GRCh37 (hg19) VCF-style: chr6-157527541-G-T.
Other names: NM_001374828.1(ARID1B):c.5635G>T; p.Glu1879Ter; c.3136G>T, p.Glu1046Ter (NM_001363725.2); c.5515G>T, p.Glu1839Ter (NM_001371656.1, NM_001374820.1); c.5476G>T, p.Glu1826Ter (NM_017519.3); c.5266G>T (NM_020732.3); short protein forms E1046*, E1826*, E1839*, E1879*.
Identifiers: ClinVar variation 973330 (VCV000973330.5), dbSNP rs1794456297, ClinGen allele CA366246283.
Genomic context (GRCh38, chr6:157,206,407, plus strand): 5'-GAATGTATTGATGACGACGAGGAAGACGAGGAGGATGAGGAGGAAGACAGCGAGAAGACA[G>T]AAAGCGATGAAAAGAGCAGCATCGCTCTGACTGCCCCGGACGCCGCTGCAGACCCAAAGG-3'

ClinVar aggregate classification (germline): Pathogenic/Likely pathogenic. Review status: criteria provided, multiple submitters, no conflicts (2 of 4 stars). 2 submissions from 2 submitters: Pathogenic (1); Likely pathogenic (1). Last evaluated 2023-05-02.

Conditions:
Coffin-Siris syndrome. Identifiers: Orphanet 1465, MedGen C0265338, MONDO:0015452.
Coffin-Siris syndrome 1 (CSS1). Also called: ARID1B-Related Coffin-Siris Syndrome; Mental retardation, autosomal dominant 12. Identifiers: Orphanet 1465, MedGen C3281201, MONDO:0007617, OMIM 135900. Disease mechanism: gain of function.

Submissions (2):

Broad Center for Mendelian Genomics, Broad Institute of MIT and Harvard
Classification: Likely pathogenic for Coffin-Siris syndrome 1. Last evaluated: 2023-05-02. Review status: criteria provided, single submitter. Criteria: ACMG Guidelines, 2015. Collection method: curation. Allele origin: germline. Inheritance: Autosomal dominant inheritance.
Comment: Trio exome analysis showed this variant to be de novo. The p.Glu1756Ter variant in ARID1B has not been previously reported in individuals with Coffin-Siris syndrome 1. This variant has also been reported in ClinVar (Variation ID: 973330) and has been interpreted as pathogenic by Illumina. This variant was absent from large population studies. This nonsense variant leads to a premature termination codon at position 1756. This alteration occurs within the last exon and is more likely to escape nonsense mediated decay (NMD) and result in a truncated protein. Heterozygous loss of function of the ARID1B gene is an established disease mechanism in autosomal dominant Coffin-Siris syndrome 1. In summary, although additional studies are required to fully establish its clinical significance, this variant is likely pathogenic for autosomal dominant Coffin-Siris syndrome 1. ACMG/AMP Criteria applied: PVS1_Strong, PS2_Supporting, PM2_Supporting (Richards 2015).

Illumina Laboratory Services, Illumina
Classification: Pathogenic for Coffin-Siris syndrome. Last evaluated: 2019-09-10. Review status: criteria provided, single submitter. Criteria: ICSLVariantClassificationCriteria RUGD 01 April 2020. Collection method: clinical testing. Allele origin: unknown.
Comment: The ARID1B c.5266G>T (p.Glu1756Ter) variant, also known as c.5386G>T (p.Glu1796Ter), is a stop-gained variant that is predicted to result in a premature truncation of the protein. A literature search was performed for the gene, cDNA change, and amino acid change. No publications were found based on this search. This variant is not found in the Genome Aggregation Database despite good sequencing coverage, so the variant is presumed to be rare. Based on the predicted truncating nature of the variant, its rarity, and identification in a de novo state, the ARID1B p.Glu1756Ter variant is classified as pathogenic for Coffin-Siris Syndrome.